The following is an entry in ClinVar:

ClinVar aggregate classification (germline): Uncertain significance (1 of 4 stars; one submission).

Conditions:
Familial adenomatous polyposis 1 (FAP1). Also called: FAMILIAL ADENOMATOUS POLYPOSIS 1, ATTENUATED; POLYPOSIS, ADENOMATOUS INTESTINAL. Identifiers: MedGen C2713442, MONDO:0021056, OMIM 175100. Disease mechanism: loss of function.

Allele frequency attached by ClinVar (database versions not stated): gnomAD exomes below 0.00001.

Submission:

Labcorp Genetics (formerly Invitae), Labcorp
Classification: Uncertain significance for Familial adenomatous polyposis 1. Last evaluated: 2024-04-13. Review status: criteria provided, single submitter. Criteria: Invitae Variant Classification Sherloc (09022015). Collection method: clinical testing. Allele origin: germline.
Comment: This variant occurs in a non-coding region of the APC gene. It does not change the encoded amino acid sequence of the APC protein. This variant is not present in population databases (gnomAD no frequency). This variant has not been reported in the literature in individuals affected with APC-related conditions. Experimental studies and prediction algorithms are not available or were not evaluated, and the functional significance of this variant is currently unknown. In summary, the available evidence is currently insufficient to determine the role of this variant in disease. Therefore, it has been classified as a Variant of Uncertain Significance.

NM_001127511.3(APC):c.-133dup

Gene: APC (APC regulator of Wnt signaling pathway; plus strand). Cytogenetic location: 5q22.2.
Variant type: Duplication.
Coding change: c.-133dup on transcript NM_001127511.3; 133 bases upstream of the start codon, one base duplicated (C; older notation c.-133dupC).
Molecular consequence: 5 prime UTR variant. On other transcripts: non-coding transcript variant (2).
Genome position (GRCh38, 1-based): chr5:112,707,585, C duplicated. VCF-style (leftmost placement, unchanged base first): chr5-112707584-T-TC. GRCh37 (hg19) VCF-style: chr5-112043281-T-TC.
Other names: c.-83dup (NM_001407450.1, NM_001407457.1, NM_001407458.1 and 1 more transcripts); c.-316dup (NM_001407452.1, NM_001407456.1, NM_001407460.1 and 3 more transcripts); c.-107dup (NM_001407453.1); c.-1351dup (NM_001407470.1, NM_001407472.1); c.-133dup (NM_001354897.2, NM_001354902.2, NM_001407446.1).
Identifiers: ClinVar variation 1053577 (VCV001053577.8), dbSNP rs1554060212, ClinGen allele CA2499217392.